The following is an entry in ClinVar:

NM_000435.3(NOTCH3):c.245G>A (p.Cys82Tyr)

Gene: NOTCH3 (notch receptor 3; minus strand). Cytogenetic location: 19p13.12.
Variant type: single nucleotide variant.
Coding change: c.245G>A on transcript NM_000435.3 (MANE Select); coding-DNA position 245, G replaced by A.
Protein change: p.Cys82Tyr; replaces cysteine 82 with tyrosine.
Molecular consequence: missense variant.
Genome position (GRCh38, 1-based): chr19:15,192,472, C>T on the plus strand (G>A on the coding strand, the complement: NOTCH3 is on the minus strand). VCF-style: chr19-15192472-C-T. GRCh37 (hg19) VCF-style: chr19-15303283-C-T.
Other names: short protein forms C82Y.
Identifiers: ClinVar variation 3906853 (VCV003906853.2).

ClinVar aggregate classification (germline): Likely pathogenic. Review status: criteria provided, single submitter (1 of 4 stars). 2 submissions from 2 submitters: Likely pathogenic (1). 1 of the submissions does not count toward it. Last evaluated 2025-12-02.

Conditions:
Cerebral arteriopathy with subcortical infarcts and leukoencephalopathy. Also called: Cerebral autosomal dominant arteriopathy with subcortical infarcts and leukoencephalopathy. Identifiers: MedGen C0751587, MONDO:0007432.

Submissions (2):

Labcorp Genetics (formerly Invitae), Labcorp
Classification: Likely pathogenic. Last evaluated: 2025-12-02. Review status: criteria provided, single submitter. Criteria: Invitae Variant Classification Sherloc (09022015). Collection method: clinical testing. Allele origin: germline.
Comment: This sequence change replaces cysteine, which is neutral and slightly polar, with tyrosine, which is neutral and polar, at codon 82 of the NOTCH3 protein (p.Cys82Tyr). This variant is not present in population databases (gnomAD no frequency). This variant has not been reported in the literature in individuals affected with NOTCH3-related conditions. ClinVar contains an entry for this variant (Variation ID: 3906853). Invitae Evidence Modeling of protein sequence and biophysical properties (such as structural, functional, and spatial information, amino acid conservation, physicochemical variation, residue mobility, and thermodynamic stability) indicates that this missense variant is expected to disrupt NOTCH3 protein function with a positive predictive value of 95%. This variant disrupts the p.Cys82 amino acid residue in NOTCH3. Other variant(s) that disrupt this residue have been determined to be pathogenic (PMID: 25096610; internal data). This suggests that this residue is clinically significant, and that variants that disrupt this residue are likely to be disease-causing. In summary, the currently available evidence indicates that the variant is pathogenic, but additional data are needed to prove that conclusively. Therefore, this variant has been classified as Likely Pathogenic.

Molecular Genetics Laboratory, BC Children's and BC Women's Hospitals
Classification: Likely pathogenic for Cerebral arteriopathy with subcortical infarcts and leukoencephalopathy. Last evaluated: 2024-11-21. Review status: no assertion criteria provided. Criteria: ACMG Guidelines, 2015. Collection method: clinical testing. Allele origin: germline. Affected: yes. Not counted in ClinVar's aggregate classification.

Literature cited by the submitters: PubMed 25096610 (cited by Labcorp Genetics (formerly Invitae), Labcorp).